The following is an entry in ClinVar:

ClinVar aggregate classification (germline): Uncertain significance (1 of 4 stars; one submission).

Conditions:
Cardiovascular phenotype. Identifiers: MedGen CN230736.

gnomAD v4.1: 1 of 1,614,154 alleles (0.000062%); highest among the groups gnomAD compares: Non-Finnish European, 0.000085%; no homozygotes.

Submission:

Ambry Genetics
Classification: Uncertain significance for Cardiovascular phenotype. Last evaluated: 2024-10-08. Review status: criteria provided, single submitter. Criteria: Ambry Variant Classification Scheme 2023. Collection method: clinical testing. Allele origin: germline.
Comment: The p.E254D variant (also known as c.762A>C), located in coding exon 7 of the TBX5 gene, results from an A to C substitution at nucleotide position 762. The glutamic acid at codon 254 is replaced by aspartic acid, an amino acid with highly similar properties. This amino acid position is conserved. In addition, this alteration is predicted to be tolerated by in silico analysis. Based on the available evidence, the clinical significance of this variant remains unclear.

NM_181486.4(TBX5):c.762A>C (p.Glu254Asp)

Gene: TBX5 (T-box transcription factor 5; minus strand). Cytogenetic location: 12q24.21.
Variant type: single nucleotide variant.
Coding change: c.762A>C on transcript NM_181486.4 (MANE Select); coding-DNA position 762, A replaced by C.
Protein change: p.Glu254Asp; replaces glutamic acid 254 with aspartic acid.
Molecular consequence: missense variant.
Genome position (GRCh38, 1-based): chr12:114,366,385, T>G on the plus strand (A>C on the coding strand, the complement: TBX5 is on the minus strand). VCF-style: chr12-114366385-T-G. GRCh37 (hg19) VCF-style: chr12-114804190-T-G.
Other names: c.762A>C, p.Glu254Asp (NM_000192.3); c.612A>C, p.Glu204Asp (NM_080717.4); short protein forms E204D, E254D.
Identifiers: ClinVar variation 3453923 (VCV003453923.1).